The following is an entry in ClinVar:

ClinVar aggregate classification (germline): Pathogenic (1 of 4 stars; one submission).

Conditions:
KBG syndrome (KBGS). Also called: ANKRD11-Related KBG Syndrome. Identifiers: Orphanet 2332, MedGen C0220687, MONDO:0007846, OMIM 148050.

Submission:

Victorian Clinical Genetics Services, Murdoch Childrens Research Institute
Classification: Pathogenic for KBG syndrome. Last evaluated: 2025-02-06. Review status: criteria provided, single submitter. Criteria: ACMG Guidelines, 2015. Collection method: clinical testing. Allele origin: germline. Affected: yes.
Comment: This variant is classified as Pathogenic. Evidence in support of pathogenic classification: Variant is predicted to cause nonsense-mediated decay (NMD) and loss of protein (premature termination codon is located at least 54 nucleotides upstream of the final exon-exon junction); Variant is absent from gnomAD (v2, v3 and v4); This variant has limited previous evidence of pathogenicity in an unrelated individual(s). Other NMD-predicted variant(s) comparable to the one identified in this case have very strong previous evidence for pathogenicity (DECIPHER, ClinVar); Additional information: This variant is heterozygous; This gene is associated with autosomal dominant disease; Loss of function is a known mechanism of disease in this gene and is associated with KBG syndrome (MIM#148050); Variants in this gene are known to have variable expressivity. Intra-familial variability has been reported (PMID: 29258554).

Literature cited by the submitters: PubMed 29258554; PubMed 31191201.

NM_013275.6(ANKRD11):c.3339G>A (p.Trp1113Ter)

Gene: ANKRD11 (ankyrin repeat domain 11; minus strand). Cytogenetic location: 16q24.3.
Variant type: single nucleotide variant.
Coding change: c.3339G>A on transcript NM_013275.6 (MANE Select); coding-DNA position 3339, G replaced by A.
Protein change: p.Trp1113Ter; replaces tryptophan 1113 with a stop codon.
Molecular consequence: nonsense.
Genome position (GRCh38, 1-based): chr16:89,283,203, C>T on the plus strand (G>A on the coding strand, the complement: ANKRD11 is on the minus strand). VCF-style: chr16-89283203-C-T. GRCh37 (hg19) VCF-style: chr16-89349611-C-T.
Other names: c.3339G>A, p.Trp1113Ter (NM_001256182.2, NM_001256183.2); short protein forms W1113*.
Identifiers: ClinVar variation 4531627 (VCV004531627.1).
Genomic context (GRCh38, chr16:89,283,203, plus strand): 5'-GCTCCCCATGCAGCTGTCTCTGTCGTCCTCACTCTCATCTGTGAAGATGTCTGCGATGTA[C>T]CAGCTTTTCTCTTTGCCTTTCTTGTCATCTTTTTTTTCAGAGAAGTCTTCTGAGATGATC-3'